The following is an entry in ClinVar:

ClinVar aggregate classification (germline): Uncertain significance. Review status: criteria provided, multiple submitters, no conflicts (2 of 4 stars). 2 submissions from 2 submitters: Uncertain significance (2). Last evaluated 2025-08-08.

gnomAD v4.1: 21 of 1,614,110 alleles (0.0013%); highest among the groups gnomAD compares: African/African-American, 0.017%; no homozygotes.

Submissions (2):

Ambry Genetics
Classification: Uncertain significance. Last evaluated: 2025-08-08. Review status: criteria provided, single submitter. Criteria: Ambry Variant Classification Scheme 2023. Collection method: clinical testing. Allele origin: germline.

Labcorp Genetics (formerly Invitae), Labcorp
Classification: Uncertain significance. Last evaluated: 2023-03-28. Review status: criteria provided, single submitter. Criteria: Invitae Variant Classification Sherloc (09022015). Collection method: clinical testing. Allele origin: germline.
Comment: This variant is present in population databases (rs200741858, gnomAD 0.02%). In summary, the available evidence is currently insufficient to determine the role of this variant in disease. Therefore, it has been classified as a Variant of Uncertain Significance. Advanced modeling of protein sequence and biophysical properties (such as structural, functional, and spatial information, amino acid conservation, physicochemical variation, residue mobility, and thermodynamic stability) performed at Invitae indicates that this missense variant is not expected to disrupt FAT2 protein function. This variant has not been reported in the literature in individuals affected with FAT2-related conditions. This sequence change replaces methionine, which is neutral and non-polar, with threonine, which is neutral and polar, at codon 2810 of the FAT2 protein (p.Met2810Thr).

NM_001447.3(FAT2):c.8429T>C (p.Met2810Thr)

Genes: FAT2 (FAT atypical cadherin 2; minus strand), SLC36A1 (solute carrier family 36 member 1; plus strand). Cytogenetic location: 5q33.1.
Variant type: single nucleotide variant.
Coding change: c.8429T>C on transcript NM_001447.3 (MANE Select); coding-DNA position 8429, T replaced by C.
Protein change: p.Met2810Thr; replaces methionine 2810 with threonine.
Molecular consequence: missense variant.
Genome position (GRCh38, 1-based): chr5:151,542,698, A>G on the plus strand (T>C on the coding strand, the complement: FAT2 is on the minus strand). VCF-style: chr5-151542698-A-G. GRCh37 (hg19) VCF-style: chr5-150922259-A-G.
Other names: c.8429T>C (NM_001447.2); short protein forms M2810T.
Identifiers: ClinVar variation 2885161 (VCV002885161.4), dbSNP rs200741858, ClinGen allele CA3520806.